The following is an entry in ClinVar:

NM_152564.5(VPS13B):c.1825T>C (p.Tyr609His)

Gene: VPS13B (vacuolar protein sorting 13 homolog B; plus strand). Cytogenetic location: 8q22.2.
Variant type: single nucleotide variant.
Coding change: c.1825T>C on transcript NM_152564.5 (MANE Select); coding-DNA position 1825, T replaced by C.
Protein change: p.Tyr609His; replaces tyrosine 609 with histidine.
Molecular consequence: missense variant.
Genome position (GRCh38, 1-based): chr8:99,143,147, T>C. VCF-style: chr8-99143147-T-C. GRCh37 (hg19) VCF-style: chr8-100155375-T-C.
Other names: c.1825T>C, p.Tyr609His (NM_015243.3, NM_017890.5); c.1825T>C (NM_152564.4); short protein forms Y609H.
Identifiers: ClinVar variation 771251 (VCV000771251.18), dbSNP rs138171489, ClinGen allele CA4822744.
Genomic context (GRCh38, chr8:99,143,147, plus strand): 5'-AGTGCGGTGCATAGGATTTTGAAAATGATTGTGTGTGCCTTGGAACATGAATATGAACCA[T>C]ATAGCAGGCTAAAATCAGGTTTGTTTCTGGATTAATTTTGAATCTTTTGCCATTTGTTTT-3'
Protein context (NP_689777.3, residues 599-619): VCALEHEYEP[Tyr609His]SRLKSDIKDE

ClinVar aggregate classification (germline): Conflicting classifications of pathogenicity. Review status: criteria provided, conflicting classifications (1 of 4 stars). 6 submissions from 6 submitters: Uncertain significance (1); Likely benign (4). 1 of the submissions does not count toward it. Last evaluated 2026-01-28.

Conditions:
VPS13B-related disorder. Also called: VPS13B-related condition.
Cohen syndrome (COH1). Also called: Cutis verticis gyrata, retinitis pigmentosa, and sensorineural deafness; PEPPER SYNDROME. Identifiers: Orphanet 193, MedGen C0265223, MONDO:0008999, OMIM 216550.

Allele frequency attached by ClinVar (database versions not stated): gnomAD 0.00004 and 0.00011; TOPMed 0.00005; gnomAD exomes 0.00019; ExAC 0.00027; 1000 Genomes Project 30x 0.00078; 1000 Genomes Project 0.00100.
gnomAD v4.1: 290 of 1,614,022 alleles (0.018%); highest among the groups gnomAD compares: East Asian, 0.64%; 2 homozygotes.

Submissions (6):

Labcorp Genetics (formerly Invitae), Labcorp
Classification: Likely benign for Cohen syndrome. Last evaluated: 2026-01-28. Review status: criteria provided, single submitter. Criteria: Invitae Variant Classification Sherloc (09022015). Collection method: clinical testing. Allele origin: germline.

PreventionGenetics, part of Exact Sciences
Classification: Likely benign for VPS13B-related condition. Last evaluated: 2025-02-07. Review status: criteria provided, single submitter. Criteria: ACMG Guidelines, 2015. Collection method: clinical testing. Allele origin: germline.
Comment: This variant is classified as likely benign based on ACMG/AMP sequence variant interpretation guidelines (Richards et al. 2015 PMID: 25741868, with internal and published modifications).

Blueprint Genetics
Classification: Likely benign. Last evaluated: 2024-05-20. Review status: criteria provided, single submitter. Criteria: ACMG Guidelines, 2015. Collection method: clinical testing. Allele origin: germline.

New York Genome Center
Classification: Uncertain significance for Cohen syndrome. Last evaluated: 2022-06-24. Review status: criteria provided, single submitter. Criteria: NYGC Assertion Criteria 2020. Collection method: clinical testing. Allele origin: germline. Observed: 1 heterozygote.

Illumina Laboratory Services, Illumina
Classification: Likely benign for Cohen syndrome. Last evaluated: 2018-01-12. Review status: criteria provided, single submitter. Criteria: ICSL Variant Classification Criteria 13 December 2019. Collection method: clinical testing. Allele origin: germline.
Comment: This variant was observed in the ICSL laboratory as part of a predisposition screen in an ostensibly healthy population. It had not been previously curated by ICSL or reported in the Human Gene Mutation Database (HGMD: prior to June 1st, 2018), and was therefore a candidate for classification through an automated scoring system. Utilizing variant allele frequency, disease prevalence and penetrance estimates, and inheritance mode, an automated score was calculated to assess if this variant is too frequent to cause the disease. Based on the score and internal cut-off values, a variant classified as likely benign is not then subjected to further curation. The score for this variant resulted in a classification of likely benign for this disease.

Natera, Inc.
Classification: Likely benign for Cohen syndrome. Last evaluated: 2020-04-15. Review status: no assertion criteria provided. Collection method: clinical testing. Allele origin: germline. Not counted in ClinVar's aggregate classification.